The following is an entry in ClinVar:

NM_000102.4(CYP17A1):c.1213G>A (p.Glu405Lys)

Gene: CYP17A1 (cytochrome P450 family 17 subfamily A member 1; minus strand). Cytogenetic location: 10q24.32.
Variant type: single nucleotide variant.
Coding change: c.1213G>A on transcript NM_000102.4 (MANE Select); coding-DNA position 1213, G replaced by A.
Protein change: p.Glu405Lys; replaces glutamic acid 405 with lysine.
Molecular consequence: missense variant.
Genome position (GRCh38, 1-based): chr10:102,831,538, C>T on the plus strand (G>A on the coding strand, the complement: CYP17A1 is on the minus strand). VCF-style: chr10-102831538-C-T. GRCh37 (hg19) VCF-style: chr10-104591295-C-T.
Other names: short protein forms E405K.
Identifiers: ClinVar variation 3907352 (VCV003907352.1).

ClinVar aggregate classification (germline): Uncertain significance (1 of 4 stars; one submission).

gnomAD v4.1: 1 of 1,613,954 alleles (0.000062%); highest among the groups gnomAD compares: Non-Finnish European, 0.000085%; no homozygotes.

Submission:

Women's Health and Genetics/Laboratory Corporation of America, LabCorp
Classification: Uncertain significance. Last evaluated: 2025-06-05. Review status: criteria provided, single submitter. Criteria: LabCorp Variant Classification Summary - May 2015. Collection method: clinical testing. Allele origin: germline.
Comment: Variant summary: CYP17A1 c.1213G>A (p.Glu405Lys) results in a conservative amino acid change in the encoded protein sequence. Algorithms developed to predict the effect of missense changes on protein structure and function are either unavailable or do not agree on the potential impact of this missense change. The variant was absent in 251318 control chromosomes. The available data on variant occurrences in the general population are insufficient to allow any conclusion about variant significance. c.1213G>A has been observed in at least one individual with symptoms consistent with Congenital Adrenal Hyperplasia (Wang_2021). This report does not provide unequivocal conclusions about association of the variant with Congenital Adrenal Hyperplasia. To our knowledge, no experimental evidence demonstrating an impact on protein function has been reported. The following publication has been ascertained in the context of this evaluation (PMID: 33864926). No submitters have cited clinical-significance assessments for this variant to ClinVar. Based on the evidence outlined above, the variant was classified as uncertain significance.

Literature cited by the submitters: PubMed 33864926.